The following is an entry in ClinVar:

NM_001318852.2(MAPK8IP3):c.388G>A (p.Glu130Lys)

Gene: MAPK8IP3 (mitogen-activated protein kinase 8 interacting protein 3; plus strand). Cytogenetic location: 16p13.3.
Variant type: single nucleotide variant.
Coding change: c.388G>A on transcript NM_001318852.2 (MANE Select); coding-DNA position 388, G replaced by A.
Protein change: p.Glu130Lys; replaces glutamic acid 130 with lysine.
Molecular consequence: missense variant.
Genome position (GRCh38, 1-based): chr16:1,724,626, G>A. VCF-style: chr16-1724626-G-A. GRCh37 (hg19) VCF-style: chr16-1774627-G-A.
Other names: c.388G>A, p.Glu130Lys (NM_001040439.2, NM_015133.5); short protein forms E130K.
Identifiers: ClinVar variation 1311285 (VCV001311285.2), dbSNP rs925956769, ClinGen allele CA276710707.
Genomic context (GRCh38, chr16:1,724,626, plus strand): 5'-GAGTTTGAAGATGCTCTGGAACAAGAGAAGAAAGAGCTGCAAATCCAGGTGGAGCACTAC[G>A]AGTTCCAGACGCGCCAGCTGGAGCTGAAGGCCAAGAACTATGCCGATCAGAGTAAGTGGC-3'
Protein context (NP_001305781.1, residues 120-140): KELQIQVEHY[Glu130Lys]FQTRQLELKA

ClinVar aggregate classification (germline): Uncertain significance (1 of 4 stars; one submission).

Allele frequency attached by ClinVar (database versions not stated): gnomAD exomes below 0.00001; TOPMed 0.00001.
gnomAD v4.1: 1 of 1,613,644 alleles (0.000062%); highest among the groups gnomAD compares: Non-Finnish European, 0.000085%; no homozygotes.

Submission:

GeneDx
Classification: Uncertain significance. Last evaluated: 2020-01-17. Review status: criteria provided, single submitter. Criteria: GeneDx Variant Classification Process June 2021. Collection method: clinical testing. Allele origin: germline. Affected: yes.
Comment: Not observed in large population cohorts (Lek et al., 2016); In silico analysis, which includes protein predictors and evolutionary conservation, supports a deleterious effect; Has not been previously published as pathogenic or benign to our knowledge